The following is an entry in ClinVar:

NM_001013620.4(ALG10B):c.1395_1398del (p.Ser465fs)

Gene: ALG10B (ALG10 alpha-1,2-glucosyltransferase B; plus strand). Cytogenetic location: 12q12.
Variant type: Deletion.
Coding change: c.1395_1398del on transcript NM_001013620.4 (MANE Select); coding-DNA positions 1395 to 1398, 4 bases deleted (TCAG; older notation c.1395_1398delTCAG).
Protein change: p.Ser465fs; shifts the reading frame from serine 465.
Molecular consequence: frameshift variant. On other transcripts: intron variant (1).
Genome position (GRCh38, 1-based): chr12:38,321,186-38,321,189, TCAG deleted; deleting any 4 consecutive bases within chr12:38,321,184-38,321,189 gives the same sequence; the c. name uses the placement nearest the transcript's 3' end. VCF-style (leftmost placement, unchanged base first): chr12-38321183-TAGTC-T. GRCh37 (hg19) VCF-style: chr12-38714985-TAGTC-T.
Other names: c.370-2727_370-2724del (NM_001308340.2); short protein forms S465fs.
Identifiers: ClinVar variation 3778123 (VCV003778123.7).

ClinVar aggregate classification (germline): Benign (1 of 4 stars; one submission).

Submission:

CeGaT Center for Human Genetics Tuebingen
Classification: Benign. Last evaluated: 2025-03-01. Review status: criteria provided, single submitter. Criteria: CeGaT Center For Human Genetics Tuebingen Variant Classification Criteria Version 2. Collection method: clinical testing. Allele origin: germline. Affected: yes. Observed: 1 variant allele.
Comment: ALG10B: BS1, BS2